The following is an entry in ClinVar:

ClinVar aggregate classification (germline): Benign. Review status: criteria provided, multiple submitters, no conflicts (2 of 4 stars). 3 submissions from 3 submitters: Benign (3). Last evaluated 2023-11-14.

Allele frequency attached by ClinVar (database versions not stated): ESP Exome Variant Server 0.58285; gnomAD 0.58510 and 0.59429; TOPMed 0.58736; 1000 Genomes Project 30x 0.61009; 1000 Genomes Project 0.61961; gnomAD exomes 0.65746 and 0.66986; ExAC 0.66280.
gnomAD v4.1: 878,141 of 1,350,194 alleles (65%); highest among the groups gnomAD compares: South Asian, 74%; 287,550 homozygotes.

Submissions (3):

Unidad de Genómica Garrahan, Hospital de Pediatría Garrahan
Classification: Benign. Last evaluated: 2023-11-14. Review status: criteria provided, single submitter. Criteria: ACMG Guidelines, 2015. Collection method: clinical testing. Allele origin: germline. Affected: no. Observed: 90 variant alleles.
Comment: This variant is classified as Benign based on local population frequency. This variant was detected in 94% of patients studied by a panel of primary immunodeficiencies. Number of patients: 90. Only high quality variants are reported.

GeneDx
Classification: Benign. Last evaluated: 2018-06-23. Review status: criteria provided, single submitter. Criteria: GeneDx Variant Classification Process June 2021. Collection method: clinical testing. Allele origin: germline. Affected: yes.

Breakthrough Genomics
Classification: Benign. Review status: criteria provided, single submitter. Criteria: ACMG Guidelines, 2015. Collection method: not provided. Allele origin: germline. Inheritance: Autosomal recessive inheritance. Affected: yes.

NM_000733.4(CD3E):c.85+41A>G

Gene: CD3E (CD3 epsilon subunit of T-cell receptor complex; plus strand). Cytogenetic location: 11q23.3.
Variant type: single nucleotide variant.
Coding change: c.85+41A>G on transcript NM_000733.4 (MANE Select); 41 bases into the intron after coding-DNA position 85, A replaced by G.
Molecular consequence: intron variant.
Genome position (GRCh38, 1-based): chr11:118,308,482, A>G. VCF-style: chr11-118308482-A-G. GRCh37 (hg19) VCF-style: chr11-118179197-A-G.
Identifiers: ClinVar variation 1291548 (VCV001291548.5), dbSNP rs1599810, ClinGen allele CA6301597.